The following is an entry in ClinVar:

NM_005654.6(NR2F1):c.1218del (p.Met406fs)

Gene: NR2F1 (nuclear receptor subfamily 2 group F member 1; plus strand). Cytogenetic location: 5q15.
Variant type: Deletion.
Coding change: c.1218del on transcript NM_005654.6 (MANE Select); coding-DNA position 1218, one base deleted (G; older notation c.1218delG).
Protein change: p.Met406fs; shifts the reading frame from methionine 406.
Molecular consequence: frameshift variant.
Genome position (GRCh38, 1-based): chr5:93,593,788, G deleted. VCF-style (leftmost placement, unchanged base first): chr5-93593787-TG-T. GRCh37 (hg19) VCF-style: chr5-92929493-TG-T.
Other names: c.768del, p.Met256fs (NM_001410754.1); short protein forms M256fs, M406fs.
Identifiers: ClinVar variation 5020033 (VCV005020033.1).

ClinVar aggregate classification (germline): Uncertain significance (1 of 4 stars; one submission).

Conditions:
Bosch-Boonstra-Schaaf optic atrophy syndrome (BBSOAS). Also called: NR2F1-Related Neurodevelopmental Disorder. Identifiers: Orphanet 401777, MedGen C3810363, MONDO:0014320, OMIM 615722.

Submission:

Juno Genomics, Hangzhou Juno Genomics, Inc
Classification: Uncertain significance for Bosch-Boonstra-Schaaf optic atrophy syndrome. Review status: criteria provided, single submitter. Criteria: ACMG Guidelines, 2015. Collection method: clinical testing. Allele origin: germline. Affected: yes.
Comment: Absent from controls (or at extremely low frequency if recessive) in Genome Aggregation Database.;Null variant in a gene where loss of function (LOF) is a known mechanism of disease.;De novo (both maternity and paternity confirmed) in a patient with the disease and no family history.